The following is an entry in ClinVar:

ClinVar aggregate classification (germline): Pathogenic. Review status: criteria provided, multiple submitters, no conflicts (2 of 4 stars). 3 submissions from 3 submitters: Pathogenic (3). Last evaluated 2025-01-22.

Conditions:
Propionic acidemia (PROP). Also called: GLYCINEMIA, KETOTIC; HYPERGLYCINEMIA WITH KETOACIDOSIS AND LEUKOPENIA; KETOTIC HYPERGLYCINEMIA. Identifiers: Orphanet 35, MedGen C0268579, MONDO:0011628, OMIM 606054, HP:0003571.

Allele frequency attached by ClinVar (database versions not stated): TOPMed below 0.00001; gnomAD 0.00001.

Submissions (3):

Natera, Inc.
Classification: Pathogenic for Propionic acidemia. Last evaluated: 2025-01-22. Review status: criteria provided, single submitter. Criteria: Natera Variant Classification Schema (03/2026). Collection method: clinical testing. Allele origin: germline.
Comment: The c.1199-2A>G variant in PCCB is a canonical splice acceptor site variant predicted to affect pre-mRNA splicing, which may result in an abnormal transcript and altered protein product. This variant is expected to result in nonsense mediated decay, truncation, or a dysfunctional protein product. This variant is rare in the general population with a frequency below the threshold expected for the associated phenotype(s). This variant has been observed in one or more individuals affected with the associated recessive disease, as either homozygous or compound heterozygous with a second variant (PMID: 22033733). Given the available evidence, this variant is classified as Pathogenic.

Labcorp Genetics (formerly Invitae), Labcorp
Classification: Pathogenic for Propionic acidemia. Last evaluated: 2023-12-21. Review status: criteria provided, single submitter. Criteria: Invitae Variant Classification Sherloc (09022015). Collection method: clinical testing. Allele origin: germline.
Comment: This sequence change affects an acceptor splice site in intron 11 of the PCCB gene. It is expected to disrupt RNA splicing. Variants that disrupt the donor or acceptor splice site typically lead to a loss of protein function (PMID: 16199547), and loss-of-function variants in PCCB are known to be pathogenic (PMID: 15464417). This variant is not present in population databases (gnomAD no frequency). Disruption of this splice site has been observed in individual(s) with propionic acidemia (PMID: 22033733). This variant is also known as IVS11-2A>G. ClinVar contains an entry for this variant (Variation ID: 2203445). Studies have shown that disruption of this splice site alters PCCB gene expression (PMID: 12559849). Algorithms developed to predict the effect of sequence changes on RNA splicing suggest that this variant may disrupt the consensus splice site. For these reasons, this variant has been classified as Pathogenic.

Baylor Genetics
Classification: Pathogenic for Propionic acidemia. Last evaluated: 2023-07-18. Review status: criteria provided, single submitter. Criteria: ACMG Guidelines, 2015. Collection method: clinical testing. Allele origin: unknown.

Literature cited by the submitters: PubMed 22033733 (cited by Natera, Inc. and Labcorp Genetics (formerly Invitae), Labcorp); PubMed 16199547 (cited by Labcorp Genetics (formerly Invitae), Labcorp); PubMed 15464417 (cited by Labcorp Genetics (formerly Invitae), Labcorp); PubMed 12559849 (cited by Labcorp Genetics (formerly Invitae), Labcorp).

NM_000532.5(PCCB):c.1199-2A>G

Gene: PCCB (propionyl-CoA carboxylase subunit beta; plus strand). Cytogenetic location: 3q22.3.
Variant type: single nucleotide variant.
Coding change: c.1199-2A>G on transcript NM_000532.5 (MANE Select); the canonical splice acceptor site of the intron before coding-DNA position 1199, A replaced by G.
Molecular consequence: splice acceptor variant.
Genome position (GRCh38, 1-based): chr3:136,327,153, A>G. VCF-style: chr3-136327153-A-G. GRCh37 (hg19) VCF-style: chr3-136045995-A-G.
Other names: c.1259-2A>G (NM_001178014.2); c.1199-2A>G (NM_000532.4).
Identifiers: ClinVar variation 2203445 (VCV002203445.6), dbSNP rs1935349786, ClinGen allele CA354648962.